The following is an entry in ClinVar:

NM_017654.4(SAMD9):c.1002del (p.Glu334fs)

Gene: SAMD9 (sterile alpha motif domain containing 9; minus strand). Cytogenetic location: 7q21.2.
Variant type: Deletion.
Coding change: c.1002del on transcript NM_017654.4 (MANE Select); coding-DNA position 1002, one base deleted (A; older notation c.1002delA).
Protein change: p.Glu334fs; shifts the reading frame from glutamic acid 334.
Molecular consequence: frameshift variant.
Genome position (GRCh38, 1-based): chr7:93,105,096, T deleted on the plus strand (A on the coding strand, the reverse complement: SAMD9 is on the minus strand); the first of 2 consecutive T bases (chr7:93,105,096-93,105,097); deleting either gives the same sequence. VCF-style (leftmost placement, unchanged base first): chr7-93105095-GT-G. GRCh37 (hg19) VCF-style: chr7-92734408-GT-G.
Other names: c.1002del, p.Glu334fs (NM_001193307.2); c.1002del (NM_017654.3); short protein forms E334fs.
Identifiers: ClinVar variation 1944263 (VCV001944263.5), dbSNP rs763440994, ClinGen allele CA4343047.

ClinVar aggregate classification (germline): Uncertain significance. Review status: criteria provided, multiple submitters, no conflicts (2 of 4 stars). 2 submissions from 2 submitters: Uncertain significance (2). Last evaluated 2025-08-11.

Submissions (2):

Labcorp Genetics (formerly Invitae), Labcorp
Classification: Uncertain significance. Last evaluated: 2025-08-11. Review status: criteria provided, single submitter. Criteria: Invitae Variant Classification Sherloc (09022015). Collection method: clinical testing. Allele origin: germline.
Comment: This sequence change creates a premature translational stop signal (p.Glu334Aspfs*65) in the SAMD9 gene. While this is not anticipated to result in nonsense mediated decay, it is expected to disrupt the last 1256 amino acid(s) of the SAMD9 protein. This variant is present in population databases (rs763440994, gnomAD 0.0009%). This variant has not been reported in the literature in individuals affected with SAMD9-related conditions. ClinVar contains an entry for this variant (Variation ID: 1944263). Experimental studies and prediction algorithms are not available or were not evaluated, and the functional significance of this variant is currently unknown. In summary, the available evidence is currently insufficient to determine the role of this variant in disease. Therefore, it has been classified as a Variant of Uncertain Significance.

GeneDx
Classification: Uncertain significance. Last evaluated: 2023-06-05. Review status: criteria provided, single submitter. Criteria: GeneDx Variant Classification Process June 2021. Collection method: clinical testing. Allele origin: germline. Affected: yes.
Comment: Frameshift variant predicted to result in protein truncation as the last 1256 amino acids are replaced with 64 different amino acids, although loss-of-function variants have not been reported downstream of this position in the protein; Not observed at significant frequency in large population cohorts (gnomAD); Has not been previously published as pathogenic or benign to our knowledge; This variant is associated with the following publications: (PMID: 28545555)